The following is an entry in ClinVar:

NM_001065.4(TNFRSF1A):c.15C>T (p.Thr5=)

Gene: TNFRSF1A (TNF receptor superfamily member 1A; minus strand). Cytogenetic location: 12p13.31.
Variant type: single nucleotide variant.
Coding change: c.15C>T on transcript NM_001065.4 (MANE Select); coding-DNA position 15, C replaced by T.
Protein change: p.Thr5=; no amino-acid change (threonine 5 retained).
Molecular consequence: synonymous variant. On other transcripts: 5 prime UTR variant (2), non-coding transcript variant (1).
Genome position (GRCh38, 1-based): chr12:6,341,800, G>A on the plus strand (C>T on the coding strand, the complement: TNFRSF1A is on the minus strand). VCF-style: chr12-6341800-G-A. GRCh37 (hg19) VCF-style: chr12-6450966-G-A.
Other names: c.15C>T (NM_001065.3); c.-156C>T (NM_001346091.2); c.-563C>T (NM_001346092.2).
Identifiers: ClinVar variation 1164462 (VCV001164462.12), dbSNP rs200386529, ClinGen allele CA6405645.
Genomic context (GRCh38, chr12:6,341,800, plus strand): 5'-CCACCAGCCCACTCTTCCCTTTGTCCCTGGTCTCACCAGTGGCAGCAGCAGGTCAGGCAC[G>A]GTGGAGAGGCCCATGCCAGACAGCTATGGCCTCTCACTCCCCCATTTGGGCTCAGGGCAG-3'
Protein context (NP_001056.1, residues 1-15): MGLS[Thr5=]VPDLLLPLVL

ClinVar aggregate classification (germline): Benign/Likely benign. Review status: criteria provided, multiple submitters, no conflicts (2 of 4 stars). 3 submissions from 3 submitters: Benign (1); Likely benign (1). 1 of the submissions does not count toward it. Last evaluated 2026-01-26.

Conditions:
TNFRSF1A-related disorder. Also called: TNFRSF1A-related condition.
TNF receptor-associated periodic fever syndrome (TRAPS) (FPF). Also called: TNF receptor 1-associated periodic fever syndrome; TNF RECEPTOR-ASSOCIATED PERIODIC SYNDROME; TUMOR NECROSIS FACTOR RECEPTOR-ASSOCIATED PERIODIC SYNDROME; TNF Receptor-Associated Periodic Fever Syndrome; FAMILIAL HIBERNIAN FEVER; Autosomal Dominant Familial Periodic Fever. Identifiers: Orphanet 32960, MedGen C1275126, MONDO:0007727, OMIM 142680.

Allele frequency attached by ClinVar (database versions not stated): TOPMed 0.00004; ESP Exome Variant Server 0.00008; gnomAD 0.00008 and 0.00009; ExAC 0.00009; gnomAD exomes 0.00011; 1000 Genomes Project 30x 0.00016; 1000 Genomes Project 0.00020.
gnomAD v4.1: 144 of 1,614,140 alleles (0.0089%); highest among the groups gnomAD compares: Middle Eastern, 0.033%; no homozygotes.

Submissions (3):

Labcorp Genetics (formerly Invitae), Labcorp
Classification: Benign for TNF receptor-associated periodic fever syndrome (TRAPS). Last evaluated: 2026-01-26. Review status: criteria provided, single submitter. Criteria: Invitae Variant Classification Sherloc (09022015). Collection method: clinical testing. Allele origin: germline.

Blueprint Genetics
Classification: Likely benign. Last evaluated: 2024-08-13. Review status: criteria provided, single submitter. Criteria: ACMG Guidelines, 2015. Collection method: clinical testing. Allele origin: germline.

PreventionGenetics, part of Exact Sciences
Classification: Likely benign for TNFRSF1A-related condition. Last evaluated: 2019-04-26. Review status: no assertion criteria provided. Collection method: clinical testing. Allele origin: germline. Not counted in ClinVar's aggregate classification.
Comment: This variant is classified as likely benign based on ACMG/AMP sequence variant interpretation guidelines (Richards et al. 2015 PMID: 25741868, with internal and published modifications).